The following is an entry in ClinVar:

NM_000059.4(BRCA2):c.1573A>G (p.Thr525Ala)

Gene: BRCA2 (BRCA2 DNA repair associated; plus strand). Cytogenetic location: 13q13.1.
Variant type: single nucleotide variant.
Coding change: c.1573A>G on transcript NM_000059.4 (MANE Select); coding-DNA position 1573, A replaced by G.
Protein change: p.Thr525Ala; replaces threonine 525 with alanine.
Molecular consequence: missense variant. On other transcripts: non-coding transcript variant (1), intron variant (1).
Genome position (GRCh38, 1-based): chr13:32,333,051, A>G. VCF-style: chr13-32333051-A-G. GRCh37 (hg19) VCF-style: chr13-32907188-A-G.
Other names: c.1573A>G, p.Thr525Ala (NM_001406719.1, NM_001406720.1, NM_001406721.1 and 1 more transcripts); c.424+2021A>G (NM_001406722.1); short protein forms T525A.
Identifiers: ClinVar variation 5033299 (VCV005033299.1).

ClinVar aggregate classification (germline): Uncertain significance (1 of 4 stars; one submission).

Conditions:
Hereditary cancer-predisposing syndrome. Also called: Neoplastic Syndromes, Hereditary; Tumor predisposition; Hereditary neoplastic syndrome; Hereditary Cancer Syndrome. Identifiers: Orphanet 140162, MedGen C0027672, MeSH D009386, MONDO:0015356.

Submission:

Ambry Genetics
Classification: Uncertain significance for Hereditary cancer-predisposing syndrome. Last evaluated: 2026-07-07. Review status: criteria provided, single submitter. Criteria: Ambry Variant Classification Scheme 2023. Collection method: clinical testing. Allele origin: germline.
Comment: The p.T525A variant (also known as c.1573A>G), located in coding exon 9 of the BRCA2 gene, results from an A to G substitution at nucleotide position 1573. The threonine at codon 525 is replaced by alanine, an amino acid with similar properties. This amino acid position is conserved. In addition, this alteration is predicted to be tolerated by in silico analysis. Based on the available evidence, the clinical significance of this variant remains unclear.